The following is an entry in ClinVar:

ClinVar aggregate classification (germline): Likely benign. Review status: criteria provided, multiple submitters, no conflicts (2 of 4 stars). 4 submissions from 4 submitters: Likely benign (3). 1 of the submissions does not count toward it. Last evaluated 2025-12-28.

Conditions:
PRPF6-related disorder. Also called: PRPF6-related condition.

Allele frequency attached by ClinVar (database versions not stated): gnomAD exomes 0.00012 and 0.00007; ExAC 0.00016; gnomAD 0.00026 and 0.00027; TOPMed 0.00062; 1000 Genomes Project 30x 0.00078; 1000 Genomes Project 0.00080; ESP Exome Variant Server 0.00008.
gnomAD v4.1: 154 of 1,614,122 alleles (0.0095%); highest among the groups gnomAD compares: Admixed American, 0.12%; 1 homozygote.

Submissions (4):

Labcorp Genetics (formerly Invitae), Labcorp
Classification: Likely benign. Last evaluated: 2025-12-28. Review status: criteria provided, single submitter. Criteria: Invitae Variant Classification Sherloc (09022015). Collection method: clinical testing. Allele origin: germline.

Blueprint Genetics
Classification: Likely benign. Last evaluated: 2024-07-23. Review status: criteria provided, single submitter. Criteria: ACMG Guidelines, 2015. Collection method: clinical testing. Allele origin: germline.

CeGaT Center for Human Genetics Tuebingen
Classification: Likely benign. Last evaluated: 2023-02-01. Review status: criteria provided, single submitter. Criteria: CeGaT Center For Human Genetics Tuebingen Variant Classification Criteria Version 2. Collection method: clinical testing. Allele origin: germline. Affected: yes. Observed: 1 variant allele.
Comment: PRPF6: BP4, BP7

PreventionGenetics, part of Exact Sciences
Classification: Likely benign for PRPF6-related condition. Last evaluated: 2019-08-05. Review status: no assertion criteria provided. Collection method: clinical testing. Allele origin: germline. Not counted in ClinVar's aggregate classification.
Comment: This variant is classified as likely benign based on ACMG/AMP sequence variant interpretation guidelines (Richards et al. 2015 PMID: 25741868, with internal and published modifications).

NM_012469.4(PRPF6):c.1039C>T (p.Leu347=)

Gene: PRPF6 (pre-mRNA processing factor 6; plus strand). Cytogenetic location: 20q13.33.
Variant type: single nucleotide variant.
Coding change: c.1039C>T on transcript NM_012469.4 (MANE Select); coding-DNA position 1039, C replaced by T.
Protein change: p.Leu347=; no amino-acid change (leucine 347 retained).
Molecular consequence: synonymous variant.
Genome position (GRCh38, 1-based): chr20:64,001,092, C>T. VCF-style: chr20-64001092-C-T. GRCh37 (hg19) VCF-style: chr20-62632445-C-T.
Identifiers: ClinVar variation 739388 (VCV000739388.36), dbSNP rs201213073, ClinGen allele CA9972084.